The following is an entry in ClinVar:

ClinVar aggregate classification (germline): Uncertain significance (1 of 4 stars; one submission).

Allele frequency attached by ClinVar (database versions not stated): gnomAD 0.00001; TOPMed 0.00001; ExAC 0.00004.
gnomAD v4.1: 24 of 1,542,462 alleles (0.0016%); highest among the groups gnomAD compares: Non-Finnish European, 0.002%; no homozygotes.

Submission:

Women's Health and Genetics/Laboratory Corporation of America, LabCorp
Classification: Uncertain significance. Last evaluated: 2025-02-21. Review status: criteria provided, single submitter. Criteria: LabCorp Variant Classification Summary - May 2015. Collection method: clinical testing. Allele origin: germline.
Comment: Variant summary: SCO2 c.-812G>A is located in the untranscribed region upstream of the SCO2 gene region. This variant also known as TYMP c.1135G>A (p.Glu379Lys) in NM_001953 and four of five in-silico tools predict a benign effect of the variant on protein function. The variant allele was found at a frequency of 1.3e-05 in 150622 control chromosomes (gnomAD). The available data on variant occurrences in the general population are insufficient to allow any conclusion about variant significance. This variant (TYMP c.1135G>A) has been reported in the literature in the compound heterozygous state together with a pathogenic variant in an individual affected with late-onset Mitochondrial DNA Depletion Syndrome 1 (MNGIE type) who displayed a milder phenotype without peripheral neuropathy (Massa_2009). These data do not allow any conclusion about variant significance. To our knowledge, no experimental evidence demonstrating an impact on protein function has been reported. The following publication has been ascertained in the context of this evaluation (PMID: 19853446). ClinVar contains an entry for this variant (Variation ID: 2682604). Based on the evidence outlined above, the variant was classified as uncertain significance.

Literature cited by the submitters: PubMed 19853446.

NM_005138.3(SCO2):c.-812G>A

Genes: SCO2 (synthesis of cytochrome C oxidase 2; minus strand), TYMP (thymidine phosphorylase; minus strand), LOC130067862 (ATAC-STARR-seq lymphoblastoid silent region 13986; plus strand). Cytogenetic location: 22q13.33.
Variant type: single nucleotide variant.
Coding change: c.-812G>A on transcript NM_005138.3 (MANE Select); 812 bases upstream of the start codon, G replaced by A.
Molecular consequence: genic upstream transcript variant. On other transcripts: missense variant (5), 5 prime UTR variant (1).
Genome position (GRCh38, 1-based): chr22:50,526,270, C>T on the plus strand (G>A on the coding strand, the complement: SCO2 is on the minus strand). VCF-style: chr22-50526270-C-T. GRCh37 (hg19) VCF-style: chr22-50964699-C-T.
Other names: c.1135G>A, p.Glu379Lys (NM_001113755.3, NM_001113756.3, NM_001257988.1 and 2 more transcripts); c.-38G>A (NM_001169109.2); short protein forms E379K.
Identifiers: ClinVar variation 2682604 (VCV002682604.2), dbSNP rs753745471, ClinGen allele CA10321480.